The following is an entry in ClinVar:

ClinVar aggregate classification (germline): Uncertain significance (1 of 4 stars; one submission).

Submission:

Labcorp Genetics (formerly Invitae), Labcorp
Classification: Uncertain significance. Last evaluated: 2022-08-22. Review status: criteria provided, single submitter. Criteria: Invitae Variant Classification Sherloc (09022015). Collection method: clinical testing. Allele origin: germline.
Comment: In summary, the available evidence is currently insufficient to determine the role of this variant in disease. Therefore, it has been classified as a Variant of Uncertain Significance. Algorithms developed to predict the effect of missense changes on protein structure and function are either unavailable or do not agree on the potential impact of this missense change (SIFT: "Deleterious"; PolyPhen-2: "Possibly Damaging"; Align-GVGD: "Class C0"). ClinVar contains an entry for this variant (Variation ID: 1484720). This variant has not been reported in the literature in individuals affected with USH2A-related conditions. This variant is not present in population databases (gnomAD no frequency). This sequence change replaces phenylalanine, which is neutral and non-polar, with isoleucine, which is neutral and non-polar, at codon 4991 of the USH2A protein (p.Phe4991Ile).

NM_206933.4(USH2A):c.14971T>A (p.Phe4991Ile)

Gene: USH2A (usherin; minus strand). Cytogenetic location: 1q41.
Variant type: single nucleotide variant.
Coding change: c.14971T>A on transcript NM_206933.4 (MANE Select); coding-DNA position 14971, T replaced by A.
Protein change: p.Phe4991Ile; replaces phenylalanine 4991 with isoleucine.
Molecular consequence: missense variant.
Genome position (GRCh38, 1-based): chr1:215,639,236, A>T on the plus strand (T>A on the coding strand, the complement: USH2A is on the minus strand). VCF-style: chr1-215639236-A-T. GRCh37 (hg19) VCF-style: chr1-215812578-A-T.
Other names: short protein forms F4991I.
Identifiers: ClinVar variation 1484720 (VCV001484720.6), dbSNP rs2102634719, ClinGen allele CA344826813.